The following is an entry in ClinVar:

ClinVar aggregate classification (germline): Pathogenic (1 of 4 stars; one submission).

Conditions:
Hereditary breast ovarian cancer syndrome. Also called: Hereditary breast and ovarian cancer syndrome; Hereditary breast and ovarian cancer; Hereditary breast and ovarian cancer syndrome (HBOC); Breast and ovarian cancer; Hereditary breast and/or ovarian cancer syndrome; BRCA1- and BRCA2-Associated Hereditary Breast and Ovarian Cancer. Identifiers: Orphanet 145, MedGen C0677776, MeSH D061325, MONDO:0003582. Disease mechanism: loss of function.

Submission:

Labcorp Genetics (formerly Invitae), Labcorp
Classification: Pathogenic for Hereditary breast ovarian cancer syndrome. Last evaluated: 2024-01-24. Review status: criteria provided, single submitter. Criteria: Invitae Variant Classification Sherloc (09022015). Collection method: clinical testing. Allele origin: unknown.
Comment: This variant is a gross deletion of the genomic region encompassing exon(s) 12-18 of the BRCA1 gene, which includes the termination codon. This deletion extends beyond the assayed region for this gene and therefore may encompass additional genes. While this deletion is not anticipated to lead to nonsense mediated decay, it is expected to alter mRNA translation or result in a truncated protein product. A similar copy number variant has been observed in individual(s) with breast cancer (PMID: 20135348). This variant is also known as a deletion of exons 13-19. This variant disrupts a region of the BRCA1 protein in which other variant(s) (exon 15-16 deletion) have been determined to be pathogenic (PMID: 18992264). This suggests that this is a clinically significant region of the protein, and that variants that disrupt it are likely to be disease-causing. For these reasons, this variant has been classified as Pathogenic.

Literature cited by the submitters: PubMed 20135348; PubMed 18992264.

NC_000017.10:g.(?_41215330)_(41238856_?)del

Gene: BRCA1 (BRCA1 DNA repair associated; minus strand). Cytogenetic location: 17q21.31.
Variant type: Deletion.
Identifiers: ClinVar variation 3242984 (VCV003242984.1).